The following is an entry in ClinVar:

NM_000293.3(PHKB):c.1257T>G (p.Tyr419Ter)

Gene: PHKB (phosphorylase kinase regulatory subunit beta; plus strand). Cytogenetic location: 16q12.1.
Variant type: single nucleotide variant.
Coding change: c.1257T>G on transcript NM_000293.3 (MANE Select); coding-DNA position 1257, T replaced by G.
Protein change: p.Tyr419Ter; replaces tyrosine 419 with a stop codon.
Molecular consequence: nonsense.
Genome position (GRCh38, 1-based): chr16:47,596,425, T>G. VCF-style: chr16-47596425-T-G. GRCh37 (hg19) VCF-style: chr16-47630336-T-G.
Other names: c.1236T>G, p.Tyr412Ter (NM_001031835.3); c.1257T>G, p.Tyr419Ter (NM_001363837.1); short protein forms Y412*, Y419*.
Identifiers: ClinVar variation 2993710 (VCV002993710.3), dbSNP rs121918021, ClinGen allele CA395799844.

ClinVar aggregate classification (germline): Pathogenic (1 of 4 stars; one submission).

Conditions:
Glycogen storage disease IXb (GSD9B). Also called: PHOSPHORYLASE KINASE DEFICIENCY OF LIVER AND MUSCLE, AUTOSOMAL RECESSIVE; GLYCOGENOSIS OF LIVER AND MUSCLE, AUTOSOMAL RECESSIVE; GSD IXb. Identifiers: Orphanet 79240, MedGen C0543514, MONDO:0009868, OMIM 261750.

gnomAD v4.1: 4 of 1,612,042 alleles (0.00025%); highest among the groups gnomAD compares: Non-Finnish European, 0.00034%; no homozygotes.

Submission:

Labcorp Genetics (formerly Invitae), Labcorp
Classification: Pathogenic for Glycogen storage disease IXb. Last evaluated: 2024-10-15. Review status: criteria provided, single submitter. Criteria: Invitae Variant Classification Sherloc (09022015). Collection method: clinical testing. Allele origin: germline.
Comment: This sequence change creates a premature translational stop signal (p.Tyr419*) in the PHKB gene. It is expected to result in an absent or disrupted protein product. Loss-of-function variants in PHKB are known to be pathogenic (PMID: 9215682, 9326319). This variant is not present in population databases (gnomAD no frequency). This premature translational stop signal has been observed in individual(s) with glycogen storage disease (PMID: 9215682). This variant is also known as Y418Ter. Algorithms developed to predict the effect of sequence changes on RNA splicing suggest that this variant may disrupt the consensus splice site. For these reasons, this variant has been classified as Pathogenic.

Literature cited by the submitters: PubMed 9215682; PubMed 9326319.